The following is an entry in ClinVar:

ClinVar aggregate classification (germline): Uncertain significance. Review status: criteria provided, multiple submitters, no conflicts (2 of 4 stars). 3 submissions from 3 submitters: Uncertain significance (3). Last evaluated 2024-08-31.

Conditions:
Colorectal cancer, susceptibility to, 1. Also called: COLORECTAL ADENOMA AND CANCER, SUSCEPTIBILITY TO; COLORECTAL CANCER, SUSCEPTIBILITY TO, ON CHROMOSOME 9. Identifiers: MedGen C1837315, MONDO:0012132, OMIM 608812.

Allele frequency attached by ClinVar (database versions not stated): gnomAD exomes below 0.00001; TOPMed below 0.00001.
gnomAD v4.1: 2 of 1,614,190 alleles (0.00012%); highest among the groups gnomAD compares: East Asian, 0.0045%; no homozygotes.

Submissions (3):

Labcorp Genetics (formerly Invitae), Labcorp
Classification: Uncertain significance. Last evaluated: 2024-08-31. Review status: criteria provided, single submitter. Criteria: Invitae Variant Classification Sherloc (09022015). Collection method: clinical testing. Allele origin: germline.
Comment: This sequence change replaces lysine, which is basic and polar, with glutamic acid, which is acidic and polar, at codon 553 of the GALNT12 protein (p.Lys553Glu). This variant is present in population databases (no rsID available, gnomAD 0.006%). This variant has not been reported in the literature in individuals affected with GALNT12-related conditions. ClinVar contains an entry for this variant (Variation ID: 2397841). Invitae Evidence Modeling of protein sequence and biophysical properties (such as structural, functional, and spatial information, amino acid conservation, physicochemical variation, residue mobility, and thermodynamic stability) indicates that this missense variant is not expected to disrupt GALNT12 protein function with a negative predictive value of 80%. In summary, the available evidence is currently insufficient to determine the role of this variant in disease. Therefore, it has been classified as a Variant of Uncertain Significance.

Ambry Genetics
Classification: Uncertain significance. Last evaluated: 2024-03-10. Review status: criteria provided, single submitter. Criteria: Ambry Variant Classification Scheme 2023. Collection method: clinical testing. Allele origin: germline.
Comment: The p.K553E variant (also known as c.1657A>G), located in coding exon 10 of the GALNT12 gene, results from an A to G substitution at nucleotide position 1657. The lysine at codon 553 is replaced by glutamic acid, an amino acid with similar properties. This amino acid position is conserved. In addition, this alteration is predicted to be tolerated by in silico analysis. Based on the available evidence, the clinical significance of this alteration remains unclear.

Department of Pathology and Laboratory Medicine, Sinai Health System
Classification: Uncertain significance for Colorectal cancer, susceptibility to, 1. Last evaluated: 2022-03-31. Review status: criteria provided, single submitter. Criteria: ACMG Guidelines, 2015. Collection method: clinical testing. Allele origin: germline. Affected: yes.

NM_024642.5(GALNT12):c.1657A>G (p.Lys553Glu)

Gene: GALNT12 (polypeptide N-acetylgalactosaminyltransferase 12; plus strand). Cytogenetic location: 9q22.33.
Variant type: single nucleotide variant.
Coding change: c.1657A>G on transcript NM_024642.5 (MANE Select); coding-DNA position 1657, A replaced by G.
Protein change: p.Lys553Glu; replaces lysine 553 with glutamic acid.
Molecular consequence: missense variant.
Genome position (GRCh38, 1-based): chr9:98,849,003, A>G. VCF-style: chr9-98849003-A-G. GRCh37 (hg19) VCF-style: chr9-101611285-A-G.
Other names: c.1657A>G (NM_024642.4); short protein forms K553E.
Identifiers: ClinVar variation 2397841 (VCV002397841.9), dbSNP rs1331475779, ClinGen allele CA374222984.